The following is an entry in ClinVar:

ClinVar aggregate classification (germline): Uncertain significance (1 of 4 stars; one submission).

gnomAD v4.1: 2 of 1,614,120 alleles (0.00012%); highest among the groups gnomAD compares: South Asian, 0.0011%; no homozygotes.

Submission:

GeneDx
Classification: Uncertain significance. Last evaluated: 2025-09-08. Review status: criteria provided, single submitter. Criteria: GeneDx Variant Classification Process June 2021. Collection method: clinical testing. Allele origin: germline.
Comment: Not observed at significant frequency in large population cohorts (gnomAD); In silico analysis supports that this missense variant has a deleterious effect on protein structure/function; Has not been previously published as pathogenic or benign to our knowledge

NM_004055.5(CAPN5):c.409G>A (p.Asp137Asn)

Gene: CAPN5 (calpain 5; plus strand). Cytogenetic location: 11q13.5.
Variant type: single nucleotide variant.
Coding change: c.409G>A on transcript NM_004055.5 (MANE Select); coding-DNA position 409, G replaced by A.
Protein change: p.Asp137Asn; replaces aspartic acid 137 with asparagine.
Molecular consequence: missense variant. On other transcripts: non-coding transcript variant (1).
Genome position (GRCh38, 1-based): chr11:77,112,700, G>A. VCF-style: chr11-77112700-G-A. GRCh37 (hg19) VCF-style: chr11-76823746-G-A.
Other names: c.529G>A, p.Asp177Asn (NM_001425321.1); c.409G>A, p.Asp137Asn (NM_001425322.1); c.277G>A, p.Asp93Asn (NM_001425323.1); short protein forms D177N, D93N, D137N.
Identifiers: ClinVar variation 4055867 (VCV004055867.2).
Genomic context (GRCh38, chr11:77,112,700, plus strand): 5'-TACGCGGGCATCTTCCACTTCCACTTCTGGCGCTTCGGGGAATGGGTGGACGTGGTCATC[G>A]ATGACCGGCTGCCCACAGTCAACAACCAGCTCATCTACTGCCACTCCAACTCCCGCAATG-3'
Protein context (NP_004046.2, residues 127-147): RFGEWVDVVI[Asp137Asn]DRLPTVNNQL